The following is an entry in ClinVar:

NC_000022.11:g.40346158C>T

Gene: ADSL (adenylosuccinate lyase; plus strand). Cytogenetic location: 22q13.1.
Variant type: single nucleotide variant.
Genome position: GRCh38 VCF-style: chr22-40346158-C-T. GRCh37 (hg19) VCF-style: chr22-40742162-C-T.
Identifiers: ClinVar variation 1465733 (VCV001465733.6), dbSNP rs2146610168, ClinGen allele CA1025767457.
Genomic context (GRCh38, chr22:40,346,158, plus strand): 5'-CACAACCCGAAAGGCAGGCCTTTTTTTTTTTTTTTTTTTTTGCTTTTTGTTTTTTAGAGA[C>T]GGGAGGGTCTCCCTGTGTTGCCCAGGCTGGTCTCGATCTGTCGGCCTCAAGCGATCCTCC-3'

ClinVar aggregate classification (germline): Uncertain significance (1 of 4 stars; one submission).

Conditions:
Adenylosuccinate lyase deficiency (ADSLD). Also called: ADSL DEFICIENCY. Identifiers: Orphanet 46, MedGen C0268126, MONDO:0007068, OMIM 103050.

Submission:

Labcorp Genetics (formerly Invitae), Labcorp
Classification: Uncertain significance for Adenylosuccinate lyase deficiency. Last evaluated: 2024-05-20. Review status: criteria provided, single submitter. Criteria: Invitae Variant Classification Sherloc (09022015). Collection method: clinical testing. Allele origin: germline.
Comment: This variant occurs in a non-coding region of the ADSL gene. It does not change the encoded amino acid sequence of the ADSL protein. The frequency data for this variant in the population databases is considered unreliable, as metrics indicate insufficient coverage at this position in the gnomAD database. This variant has not been reported in the literature in individuals affected with ADSL-related conditions. Experimental studies and prediction algorithms are not available or were not evaluated, and the functional significance of this variant is currently unknown. In summary, the available evidence is currently insufficient to determine the role of this variant in disease. Therefore, it has been classified as a Variant of Uncertain Significance.